The following is an entry in ClinVar:

NM_152464.3(VMA12):c.472G>A (p.Val158Ile)

Gene: VMA12 (vacuolar ATPase assembly factor VMA12; plus strand). Cytogenetic location: 17q11.2.
Variant type: single nucleotide variant.
Coding change: c.472G>A on transcript NM_152464.3 (MANE Select); coding-DNA position 472, G replaced by A.
Protein change: p.Val158Ile; replaces valine 158 with isoleucine.
Molecular consequence: missense variant.
Genome position (GRCh38, 1-based): chr17:28,360,788, G>A. VCF-style: chr17-28360788-G-A. GRCh37 (hg19) VCF-style: chr17-26687811-G-A.
Other names: short protein forms V158I.
Identifiers: ClinVar variation 783775 (VCV000783775.13), dbSNP rs12572, ClinGen allele CA398316227.
Genomic context (GRCh38, chr17:28,360,788, plus strand): 5'-CCCAAAGTGAGATCATTGAAGGCTCTGGTCATCACCATCTTCAATTTCATTGTCACGGTG[G>A]TTGCTGCCTTCGTCTGCACTTACCTTGGAAGCCAATATATCTTCACAGAAATGGCCTCGG-3'
Protein context (NP_689677.1, residues 148-168): ITIFNFIVTV[Val158Ile]AAFVCTYLGS

ClinVar aggregate classification (germline): Benign. Review status: criteria provided, multiple submitters, no conflicts (2 of 4 stars). 4 submissions from 4 submitters: Benign (3). 1 of the submissions does not count toward it. Last evaluated 2026-02-01.

Conditions:
TMEM199-related disorder. Also called: TMEM199-related condition.

Allele frequency attached by ClinVar (database versions not stated): gnomAD 0.02319 and 0.02463; TOPMed 0.02542; ESP Exome Variant Server 0.02614; 1000 Genomes Project 0.02935; 1000 Genomes Project 30x 0.03232.
gnomAD v4.1: 7,173 of 1,614,058 alleles (0.44%); highest among the groups gnomAD compares: African/African-American, 8.3%; 273 homozygotes.

Submissions (24):

Labcorp Genetics (formerly Invitae), Labcorp
Classification: Benign. Last evaluated: 2026-02-01. Review status: criteria provided, single submitter. Criteria: Invitae Variant Classification Sherloc (09022015). Collection method: clinical testing. Allele origin: germline.

GeneDx
Classification: Benign. Last evaluated: 2021-05-06. Review status: criteria provided, single submitter. Criteria: GeneDx Variant Classification Process June 2021. Collection method: clinical testing. Allele origin: germline. Affected: yes.

Breakthrough Genomics
Classification: Benign. Review status: criteria provided, single submitter. Criteria: ACMG Guidelines, 2015. Collection method: not provided. Allele origin: germline. Inheritance: Autosomal recessive inheritance. Affected: yes.

PreventionGenetics, part of Exact Sciences
Classification: Benign for TMEM199-related condition. Last evaluated: 2024-06-28. Review status: no assertion criteria provided. Collection method: clinical testing. Allele origin: germline. Not counted in ClinVar's aggregate classification.
Comment: This variant is classified as benign based on ACMG/AMP sequence variant interpretation guidelines (Richards et al. 2015 PMID: 25741868, with internal and published modifications).

Dr. Peter K. Rogan Lab, Western University
No classification provided (evidence only). Condition: Clear cell carcinoma of kidney. Review status: no classification provided. Collection method: in vitro. Allele origin: not applicable. Functional consequence: skipped exon. Not counted in ClinVar's aggregate classification.

Dr. Peter K. Rogan Lab, Western University
No classification provided (evidence only). Condition: Clear cell carcinoma of kidney. Review status: no classification provided. Collection method: in vitro. Allele origin: not applicable. Functional consequence: retained intron. Not counted in ClinVar's aggregate classification.

Dr. Peter K. Rogan Lab, Western University
No classification provided (evidence only). Condition: Acute myeloid leukemia. Review status: no classification provided. Collection method: in vitro. Allele origin: not applicable. Functional consequence: skipped exon, retained intron. Not counted in ClinVar's aggregate classification.

Dr. Peter K. Rogan Lab, Western University
No classification provided (evidence only). Condition: Acute myeloid leukemia. Review status: no classification provided. Collection method: in vitro. Allele origin: not applicable. Functional consequence: skipped exon. Not counted in ClinVar's aggregate classification.

Dr. Peter K. Rogan Lab, Western University
No classification provided (evidence only). Condition: Thyroid cancer, nonmedullary, 1. Review status: no classification provided. Collection method: in vitro. Allele origin: not applicable. Functional consequence: skipped exon. Not counted in ClinVar's aggregate classification.

Dr. Peter K. Rogan Lab, Western University
No classification provided (evidence only). Condition: Uterine corpus endometrial carcinoma. Review status: no classification provided. Collection method: in vitro. Allele origin: not applicable. Functional consequence: retained intron. Not counted in ClinVar's aggregate classification.

Dr. Peter K. Rogan Lab, Western University
No classification provided (evidence only). Condition: Uterine corpus endometrial carcinoma. Review status: no classification provided. Collection method: in vitro. Allele origin: not applicable. Functional consequence: retained intron. Not counted in ClinVar's aggregate classification.

Dr. Peter K. Rogan Lab, Western University
No classification provided (evidence only). Condition: Cervical cancer. Review status: no classification provided. Collection method: in vitro. Allele origin: not applicable. Functional consequence: retained intron. Not counted in ClinVar's aggregate classification.

Dr. Peter K. Rogan Lab, Western University
No classification provided (evidence only). Condition: Hepatocellular carcinoma. Review status: no classification provided. Collection method: in vitro. Allele origin: not applicable. Functional consequence: retained intron. Not counted in ClinVar's aggregate classification.

Dr. Peter K. Rogan Lab, Western University
No classification provided (evidence only). Condition: Hepatocellular carcinoma. Review status: no classification provided. Collection method: in vitro. Allele origin: not applicable. Functional consequence: skipped exon. Not counted in ClinVar's aggregate classification.

Dr. Peter K. Rogan Lab, Western University
No classification provided (evidence only). Condition: Hepatocellular carcinoma. Review status: no classification provided. Collection method: in vitro. Allele origin: not applicable. Functional consequence: retained intron. Not counted in ClinVar's aggregate classification.

Dr. Peter K. Rogan Lab, Western University
No classification provided (evidence only). Condition: Hepatocellular carcinoma. Review status: no classification provided. Collection method: in vitro. Allele origin: not applicable. Functional consequence: retained intron. Not counted in ClinVar's aggregate classification.

Dr. Peter K. Rogan Lab, Western University
No classification provided (evidence only). Condition: Thymoma. Review status: no classification provided. Collection method: in vitro. Allele origin: not applicable. Functional consequence: retained intron. Not counted in ClinVar's aggregate classification.

Dr. Peter K. Rogan Lab, Western University
No classification provided (evidence only). Condition: Cholangiocarcinoma. Review status: no classification provided. Collection method: in vitro. Allele origin: not applicable. Functional consequence: retained intron. Not counted in ClinVar's aggregate classification.

Dr. Peter K. Rogan Lab, Western University
No classification provided (evidence only). Condition: Ovarian serous cystadenocarcinoma. Review status: no classification provided. Collection method: in vitro. Allele origin: not applicable. Functional consequence: retained intron. Not counted in ClinVar's aggregate classification.

Dr. Peter K. Rogan Lab, Western University
No classification provided (evidence only). Condition: Gastric cancer. Review status: no classification provided. Collection method: in vitro. Allele origin: not applicable. Functional consequence: retained intron. Not counted in ClinVar's aggregate classification.

Dr. Peter K. Rogan Lab, Western University
No classification provided (evidence only). Condition: Gastric cancer. Review status: no classification provided. Collection method: in vitro. Allele origin: not applicable. Functional consequence: retained intron. Not counted in ClinVar's aggregate classification.

Dr. Peter K. Rogan Lab, Western University
No classification provided (evidence only). Condition: Gastric cancer. Review status: no classification provided. Collection method: in vitro. Allele origin: not applicable. Functional consequence: retained intron. Not counted in ClinVar's aggregate classification.

Dr. Peter K. Rogan Lab, Western University
No classification provided (evidence only). Condition: Gastric cancer. Review status: no classification provided. Collection method: in vitro. Allele origin: not applicable. Functional consequence: retained intron. Not counted in ClinVar's aggregate classification.

Dr. Peter K. Rogan Lab, Western University
No classification provided (evidence only). Condition: Uterine carcinosarcoma. Review status: no classification provided. Collection method: in vitro. Allele origin: not applicable. Functional consequence: skipped exon, retained intron. Not counted in ClinVar's aggregate classification.